The following is an entry in ClinVar:

ClinVar aggregate classification (germline): Uncertain significance (1 of 4 stars; one submission).

Conditions:
Inborn genetic diseases. Identifiers: MedGen C0950123, MeSH D030342.

Submission:

Ambry Genetics
Classification: Uncertain significance for Inborn genetic diseases. Last evaluated: 2025-08-21. Review status: criteria provided, single submitter. Criteria: Ambry Variant Classification Scheme 2023. Collection method: clinical testing. Allele origin: germline.
Comment: The p.R35C variant (also known as c.103C>T), located in coding exon 1 of the MBD4 gene, results from a C to T substitution at nucleotide position 103. The arginine at codon 35 is replaced by cysteine, an amino acid with highly dissimilar properties. This amino acid position is conserved. In addition, this alteration is predicted to be tolerated by in silico analysis. Based on the available evidence, the clinical significance of this variant remains unclear.

NM_001276270.2(MBD4):c.103C>T (p.Arg35Cys)

Gene: MBD4 (methyl-CpG binding domain 4, DNA glycosylase; minus strand). Cytogenetic location: 3q21.3.
Variant type: single nucleotide variant.
Coding change: c.103C>T on transcript NM_001276270.2 (MANE Select); coding-DNA position 103, C replaced by T.
Protein change: p.Arg35Cys; replaces arginine 35 with cysteine.
Molecular consequence: missense variant.
Genome position (GRCh38, 1-based): chr3:129,439,731, G>A on the plus strand (C>T on the coding strand, the complement: MBD4 is on the minus strand). VCF-style: chr3-129439731-G-A. GRCh37 (hg19) VCF-style: chr3-129158574-G-A.
Other names: c.103C>T, p.Arg35Cys (NM_001276271.2, NM_001276272.2, NM_001276273.2 and 1 more transcripts); short protein forms R35C.
Identifiers: ClinVar variation 4104660 (VCV004104660.1).